The following is an entry in ClinVar:

ClinVar aggregate classification (germline): Uncertain significance (1 of 4 stars; one submission).

Allele frequency attached by ClinVar (database versions not stated): TOPMed below 0.00001.

Submission:

GeneDx
Classification: Uncertain significance. Last evaluated: 2019-10-11. Review status: criteria provided, single submitter. Criteria: GeneDx Variant Classification Process June 2021. Collection method: clinical testing. Allele origin: germline. Affected: yes.
Comment: Not observed in large population cohorts (Lek et al., 2016); In silico analysis, which includes protein predictors and evolutionary conservation, supports that this variant does not alter protein structure/function; Has not been previously published as pathogenic or benign to our knowledge; Variants in candidate genes are classified as variants of uncertain significance in accordance with ACMG guidelines (Richards et al., 2015)

NM_007192.4(SUPT16H):c.793C>T (p.His265Tyr)

Gene: SUPT16H (SPT16 homolog, facilitates chromatin remodeling subunit; minus strand). Cytogenetic location: 14q11.2.
Variant type: single nucleotide variant.
Coding change: c.793C>T on transcript NM_007192.4 (MANE Select); coding-DNA position 793, C replaced by T.
Protein change: p.His265Tyr; replaces histidine 265 with tyrosine.
Molecular consequence: missense variant.
Genome position (GRCh38, 1-based): chr14:21,368,431, G>A on the plus strand (C>T on the coding strand, the complement: SUPT16H is on the minus strand). VCF-style: chr14-21368431-G-A. GRCh37 (hg19) VCF-style: chr14-21836590-G-A.
Other names: short protein forms H265Y.
Identifiers: ClinVar variation 1309018 (VCV001309018.2), dbSNP rs1483888873, ClinGen allele CA388870039.